The following is an entry in ClinVar:

NM_017946.4(FKBP14):c.147G>C (p.Leu49Phe)

Genes: FKBP14-AS1 (FKBP14 antisense RNA 1; plus strand), FKBP14 (FKBP prolyl isomerase 14; minus strand). Cytogenetic location: 7p14.3.
Variant type: single nucleotide variant.
Coding change: c.147G>C on transcript NM_017946.4 (MANE Select); coding-DNA position 147, G replaced by C.
Protein change: p.Leu49Phe; replaces leucine 49 with phenylalanine.
Molecular consequence: missense variant. On other transcripts: non-coding transcript variant (2).
Genome position (GRCh38, 1-based): chr7:30,026,362, C>G on the plus strand (G>C on the coding strand, the complement: FKBP14 is on the minus strand). VCF-style: chr7-30026362-C-G. GRCh37 (hg19) VCF-style: chr7-30065978-C-G.
Other names: short protein forms L49F.
Identifiers: ClinVar variation 948776 (VCV000948776.7), dbSNP rs761481531, ClinGen allele CA4203494.

ClinVar aggregate classification (germline): Uncertain significance (1 of 4 stars; one submission).

Conditions:
Ehlers-Danlos syndrome, kyphoscoliotic type, 2. Also called: Ehlers-Danlos syndrome with progressive kyphoscoliosis, myopathy, and hearing loss; Ehlers-Danlos syndrome, kyphoscoliotic and deafness type; FKBP14-Kyphoscoliotic Ehlers-Danlos Syndrome. Identifiers: Orphanet 300179, MedGen C3281160, MONDO:0013800, OMIM 614557.

Allele frequency attached by ClinVar (database versions not stated): gnomAD 0.00001 and 0.00003; gnomAD exomes 0.00002 and 0.00004; ExAC 0.00006.

Submission:

Labcorp Genetics (formerly Invitae), Labcorp
Classification: Uncertain significance for Ehlers-Danlos syndrome, kyphoscoliotic type, 2. Last evaluated: 2022-02-03. Review status: criteria provided, single submitter. Criteria: Invitae Variant Classification Sherloc (09022015). Collection method: clinical testing. Allele origin: germline.
Comment: This sequence change replaces leucine, which is neutral and non-polar, with phenylalanine, which is neutral and non-polar, at codon 49 of the FKBP14 protein (p.Leu49Phe). This variant is present in population databases (rs761481531, gnomAD 0.03%). This variant has not been reported in the literature in individuals affected with FKBP14-related conditions. ClinVar contains an entry for this variant (Variation ID: 948776). Algorithms developed to predict the effect of missense changes on protein structure and function are either unavailable or do not agree on the potential impact of this missense change (SIFT: "Tolerated"; PolyPhen-2: "Probably Damaging"; Align-GVGD: "Class C0"). In summary, the available evidence is currently insufficient to determine the role of this variant in disease. Therefore, it has been classified as a Variant of Uncertain Significance.